The following is an entry in ClinVar:

ClinVar aggregate classification (germline): other (0 of 4 stars; one submission).

Conditions:
Familial colorectal cancer. Identifiers: MedGen CN280943, MONDO:0023113. Disease mechanism: loss of function.

Submission:

Systems Biology Platform Zhejiang California International NanoSystems Institute
Classification: other for Familial colorectal cancer. Review status: no assertion criteria provided. Collection method: not provided. Allele origin: unknown.
ClinVar note: Converted during submission from cancer to other.

NM_000038.6(APC):c.730-2463T>G

Gene: APC (APC regulator of WNT signaling pathway; plus strand). Cytogenetic location: 5q22.2.
Variant type: single nucleotide variant.
Coding change: c.730-2463T>G on transcript NM_000038.6 (MANE Select); 2463 bases into the intron before coding-DNA position 730, T replaced by G.
Molecular consequence: intron variant.
Genome position (GRCh38, 1-based): chr5:112,798,816, T>G. VCF-style: chr5-112798816-T-G. GRCh37 (hg19) VCF-style: chr5-112134513-T-G.
Other names: c.730-2463T>G (NM_001354895.2, NM_001127510.3, NM_001354896.2 and 1 more transcripts); c.760-2463T>G (NM_001354897.2, NM_001354902.2); c.676-2463T>G (NM_001127511.3); c.655-2463T>G (NM_001354898.2, NM_001354904.2); c.-306-2463T>G (NM_001354906.2); c.646-2463T>G (NM_001354899.2); c.553-2463T>G (NM_001354900.2, NM_001354901.2, NM_001354905.2).
Identifiers: ClinVar variation 82503 (VCV000082503.2), dbSNP rs76529910, ClinGen allele CA013489.
Genomic context (GRCh38, chr5:112,798,816, plus strand): 5'-AAGAGGAGGGAGGAAAGAAAATGAAGATAGTAAATGTTAAATGGTAGTTTGGGTTGGAAT[T>G]GCCTGGGTTGGAATTCCAGCTCTGACTCTGCCATTTACTAGATATGTGACTGAAAACAAG-3'